The following is an entry in ClinVar:

ClinVar aggregate classification (germline): Uncertain significance. Review status: criteria provided, multiple submitters, no conflicts (2 of 4 stars). 2 submissions from 2 submitters: Uncertain significance (2). Last evaluated 2022-08-09.

Conditions:
Hereditary cancer-predisposing syndrome. Also called: Hereditary Cancer Syndrome; Hereditary neoplastic syndrome; Neoplastic Syndromes, Hereditary; Tumor predisposition. Identifiers: Orphanet 140162, MedGen C0027672, MeSH D009386, MONDO:0015356.
Familial cancer of breast. Also called: BREAST CANCER, FAMILIAL; Hereditary breast cancer; hereditary breast carcinoma. Identifiers: Orphanet 227535, MedGen C0346153, MONDO:0016419, OMIM 114480. Disease mechanism: loss of function.

Submissions (2):

Labcorp Genetics (formerly Invitae), Labcorp
Classification: Uncertain significance for Familial cancer of breast. Last evaluated: 2022-08-09. Review status: criteria provided, single submitter. Criteria: Invitae Variant Classification Sherloc (09022015). Collection method: clinical testing. Allele origin: germline.
Comment: This variant has not been reported in the literature in individuals affected with BARD1-related conditions. Algorithms developed to predict the effect of missense changes on protein structure and function (SIFT, PolyPhen-2, Align-GVGD) all suggest that this variant is likely to be tolerated. In summary, the available evidence is currently insufficient to determine the role of this variant in disease. Therefore, it has been classified as a Variant of Uncertain Significance. This variant is not present in population databases (gnomAD no frequency). This sequence change replaces lysine, which is basic and polar, with methionine, which is neutral and non-polar, at codon 475 of the BARD1 protein (p.Lys475Met).

Ambry Genetics
Classification: Uncertain significance for Hereditary cancer-predisposing syndrome. Last evaluated: 2020-06-26. Review status: criteria provided, single submitter. Criteria: Ambry Variant Classification Scheme 2023. Collection method: clinical testing. Allele origin: germline.
Comment: The p.K475M variant (also known as c.1424A>T), located in coding exon 6 of the BARD1 gene, results from an A to T substitution at nucleotide position 1424. The lysine at codon 475 is replaced by methionine, an amino acid with similar properties. This amino acid position is not well conserved in available vertebrate species. In addition, this alteration is predicted to be tolerated by in silico analysis. Since supporting evidence is limited at this time, the clinical significance of this alteration remains unclear.

NM_000465.4(BARD1):c.1424A>T (p.Lys475Met)

Gene: BARD1 (BRCA1 associated RING domain 1; minus strand). Cytogenetic location: 2q35.
Variant type: single nucleotide variant.
Coding change: c.1424A>T on transcript NM_000465.4 (MANE Select); coding-DNA position 1424, A replaced by T.
Protein change: p.Lys475Met; replaces lysine 475 with methionine.
Molecular consequence: missense variant. On other transcripts: non-coding transcript variant (3), intron variant (3).
Genome position (GRCh38, 1-based): chr2:214,767,626, T>A on the plus strand (A>T on the coding strand, the complement: BARD1 is on the minus strand). VCF-style: chr2-214767626-T-A. GRCh37 (hg19) VCF-style: chr2-215632350-T-A.
Other names: c.1367A>T, p.Lys456Met (NM_001282543.2); c.159-15071A>T (NM_001282548.2); c.216-15071A>T (NM_001282545.2); c.364+24671A>T (NM_001282549.2); short protein forms K456M, K475M.
Identifiers: ClinVar variation 1772326 (VCV001772326.7), dbSNP rs2469444562, ClinGen allele CA350448665.
Genomic context (GRCh38, chr2:214,767,626, plus strand): 5'-TCATTTTGATACCCGGTGGTGTTCACCAATGCCTTATGCTGGAGCAATAATTCCACTACC[T>A]TCAGGTGCCCATGATTGCAAGCTTCATGCTAATTAAATTTTTTGAAAAAGAAGTGAAAGA-3'
Protein context (NP_000456.2, residues 465-485): LHEACNHGHL[Lys475Met]VVELLLQHKA